The following is an entry in ClinVar:

NM_005559.4(LAMA1):c.4066G>A (p.Ala1356Thr)

Gene: LAMA1 (laminin subunit alpha 1; minus strand). Cytogenetic location: 18p11.31.
Variant type: single nucleotide variant.
Coding change: c.4066G>A on transcript NM_005559.4 (MANE Select); coding-DNA position 4066, G replaced by A.
Protein change: p.Ala1356Thr; replaces alanine 1356 with threonine.
Molecular consequence: missense variant.
Genome position (GRCh38, 1-based): chr18:7,008,544, C>T on the plus strand (G>A on the coding strand, the complement: LAMA1 is on the minus strand). VCF-style: chr18-7008544-C-T. GRCh37 (hg19) VCF-style: chr18-7008543-C-T.
Other names: short protein forms A1356T.
Identifiers: ClinVar variation 1810592 (VCV001810592.7), dbSNP rs141657203, ClinGen allele CA8882050.

ClinVar aggregate classification (germline): Conflicting classifications of pathogenicity. Review status: criteria provided, conflicting classifications (1 of 4 stars). 2 submissions from 2 submitters: Uncertain significance (1); Benign (1). Last evaluated 2024-04-22.

Allele frequency attached by ClinVar (database versions not stated): ESP Exome Variant Server 0.00015; TOPMed 0.00018; gnomAD exomes 0.00019; gnomAD 0.00021; ExAC 0.00024.
gnomAD v4.1: 318 of 1,613,790 alleles (0.02%); highest among the groups gnomAD compares: Non-Finnish European, 0.0061%; no homozygotes.

Submissions (2):

Labcorp Genetics (formerly Invitae), Labcorp
Classification: Benign. Last evaluated: 2024-04-22. Review status: criteria provided, single submitter. Criteria: Invitae Variant Classification Sherloc (09022015). Collection method: clinical testing. Allele origin: germline.

GeneDx
Classification: Uncertain significance. Last evaluated: 2024-04-11. Review status: criteria provided, single submitter. Criteria: GeneDx Variant Classification Process June 2021. Collection method: clinical testing. Allele origin: germline.
Comment: Has not been previously published as pathogenic or benign to our knowledge; In silico analysis supports that this missense variant has a deleterious effect on protein structure/function